The following is an entry in ClinVar:

NM_032043.3(BRIP1):c.2419T>C (p.Leu807=)

Gene: BRIP1 (BRCA1 interacting DNA helicase 1; minus strand). Cytogenetic location: 17q23.2.
Variant type: single nucleotide variant.
Coding change: c.2419T>C on transcript NM_032043.3 (MANE Select); coding-DNA position 2419, T replaced by C.
Protein change: p.Leu807=; no amino-acid change (leucine 807 retained).
Molecular consequence: synonymous variant.
Genome position (GRCh38, 1-based): chr17:61,716,024, A>G on the plus strand (T>C on the coding strand, the complement: BRIP1 is on the minus strand). VCF-style: chr17-61716024-A-G. GRCh37 (hg19) VCF-style: chr17-59793385-A-G.
Identifiers: ClinVar variation 184811 (VCV000184811.23), dbSNP rs786201708, ClinGen allele CA190122.

ClinVar aggregate classification (germline): Benign/Likely benign. Review status: criteria provided, multiple submitters, no conflicts (2 of 4 stars). 7 submissions from 7 submitters: Benign (1); Likely benign (6). Last evaluated 2026-01-22.

Conditions:
Hereditary cancer-predisposing syndrome. Also called: Tumor predisposition; Neoplastic Syndromes, Hereditary; Hereditary neoplastic syndrome; Hereditary Cancer Syndrome. Identifiers: Orphanet 140162, MedGen C0027672, MeSH D009386, MONDO:0015356.
Fanconi anemia complementation group J. Also called: BRIP1-Related Fanconi Anemia. Identifiers: Orphanet 84, MedGen C1836860, MONDO:0012187, OMIM 609054.
Familial cancer of breast. Also called: BREAST CANCER, FAMILIAL; hereditary breast carcinoma; Hereditary breast cancer. Identifiers: Orphanet 227535, MedGen C0346153, MONDO:0016419, OMIM 114480. Disease mechanism: loss of function.

Allele frequency attached by ClinVar (database versions not stated): gnomAD 0.00001; gnomAD exomes 0.00001; TOPMed 0.00001.
gnomAD v4.1: 12 of 1,607,484 alleles (0.00075%); highest among the groups gnomAD compares: Middle Eastern, 0.017%; no homozygotes.

Submissions (7):

Labcorp Genetics (formerly Invitae), Labcorp
Classification: Likely benign for Familial cancer of breast; Fanconi anemia complementation group J. Last evaluated: 2026-01-22. Review status: criteria provided, single submitter. Criteria: Invitae Variant Classification Sherloc (09022015). Collection method: clinical testing. Allele origin: germline.

Myriad Genetics, Inc.
Classification: Benign for Familial cancer of breast. Last evaluated: 2024-09-04. Review status: criteria provided, single submitter. Criteria: Myriad Autosomal Dominant, Autosomal Recessive and X-Linked Classification Criteria (2023). Collection method: clinical testing. Allele origin: unknown.
Comment: This variant is considered benign. This variant is a silent/synonymous amino acid change and it is not expected to impact splicing.

Blueprint Genetics
Classification: Likely benign. Last evaluated: 2023-11-27. Review status: criteria provided, single submitter. Criteria: ACMG Guidelines, 2015. Collection method: clinical testing. Allele origin: germline.

Department of Pathology and Laboratory Medicine, Sinai Health System
Classification: Likely benign for Familial cancer of breast. Last evaluated: 2023-05-05. Review status: criteria provided, single submitter. Criteria: ACMG Guidelines, 2015. Collection method: clinical testing. Allele origin: germline. Affected: yes.

GeneDx
Classification: Likely benign. Last evaluated: 2019-08-28. Review status: criteria provided, single submitter. Criteria: GeneDx Variant Classification Process June 2021. Collection method: clinical testing. Allele origin: germline. Affected: yes.

Color Diagnostics, LLC DBA Color Health
Classification: Likely benign for Hereditary cancer-predisposing syndrome. Last evaluated: 2015-11-17. Review status: criteria provided, single submitter. Criteria: ACMG Guidelines, 2015. Collection method: clinical testing. Allele origin: germline.

Ambry Genetics
Classification: Likely benign for Hereditary cancer-predisposing syndrome. Last evaluated: 2015-11-12. Review status: criteria provided, single submitter. Criteria: Ambry Variant Classification Scheme 2023. Collection method: clinical testing. Allele origin: germline.